The following is an entry in ClinVar:

ClinVar aggregate classification (germline): not provided. Review status: no classification provided (0 of 4 stars). 4 submissions from 1 submitter: not provided (4).

Conditions:
Small for gestational age. Also called: Low birth weight. Identifiers: MedGen C0235991, HP:0001518.
Normal pregnancy. Identifiers: MedGen C0232989.
Gestational diabetes mellitus uncontrolled. Identifiers: MedGen C3532257.
Large for gestational age. Identifiers: MedGen C1848395, HP:0001520.

Submissions (4):

Institute of Molecular and Cell Biology, University of Tartu
No classification provided. Condition: Small for gestational age. Review status: no classification provided. Collection method: case-control. Allele origin: unknown. Affected: yes. Study: Kasak2014.
Comment: The study aimed to determine the contribution of copy number variants in the genetic etiology of normal and complicated pregnancies. The samples represented (i) maternal blood DNA drawn from healthy pregnant women during 1st or 2nd trimester and (ii) maternal and paternal blood DNA drawn at term pregnancy cases representing normal and complicated gestations (severe preeclampsia, PE; gestational diabetes, GD; small-for-gestational age newborn, SGA; large-for-gestational age newborn, LGA). We performed CNV calling based on genome-wide genotyping dataset (Illumina HumanOmniExpress-24-v1 BeadChip) by applying three algorithms, QuantiSNP, GADA (Genome Alteration Detection Algorithm) and CNstream in parallel. The acquired CNV calls were merged with HD-CNV (Hotspot Detector for Copy Number Variants) program and only the CNVs predicted by at least two programs, were considered in subsequent analysis.

Institute of Molecular and Cell Biology, University of Tartu
No classification provided. Condition: Large for gestational age. Review status: no classification provided. Collection method: case-control. Allele origin: unknown. Affected: yes. Study: Kasak2014.
Comment: the same text as in the submission from Institute of Molecular and Cell Biology, University of Tartu above.

Institute of Molecular and Cell Biology, University of Tartu
No classification provided. Condition: Gestational diabetes mellitus uncontrolled. Review status: no classification provided. Collection method: case-control. Allele origin: unknown. Affected: yes. Study: Kasak2014.
Comment: the same text as in the submission from Institute of Molecular and Cell Biology, University of Tartu above.

Institute of Molecular and Cell Biology, University of Tartu
No classification provided. Condition: Normal pregnancy. Review status: no classification provided. Collection method: case-control. Allele origin: unknown. Affected: yes. Study: Kasak2014.
Comment: the same text as in the submission from Institute of Molecular and Cell Biology, University of Tartu above.

Literature cited by the submitters: PubMed 25666259.

NC_000008.11:g.5741878_5747566del

Variant type: Deletion.
Genome position: GRCh38: chr8:5,741,878-5,747,566. GRCh37 (hg19): chr8:5,599,400-5,605,088.
Identifiers: ClinVar variation 157087 (VCV000157087.3), ClinGen allele CA212211.